The following is an entry in ClinVar:

ClinVar aggregate classification (germline): Likely benign. Review status: criteria provided, multiple submitters, no conflicts (2 of 4 stars). 2 submissions from 2 submitters: Likely benign (2). Last evaluated 2022-05-19.

Conditions:
Early-infantile DEE. Also called: Early infantile epileptic encephalopathy; Early infantile epileptic encephalopathy with suppression bursts; Ohtahara syndrome. Identifiers: Orphanet 1934, MedGen C0393706, MONDO:0800491.

gnomAD v4.1: 5 of 1,612,524 alleles (0.00031%); highest among the groups gnomAD compares: Non-Finnish European, 0.00025%; no homozygotes.

Submissions (2):

Labcorp Genetics (formerly Invitae), Labcorp
Classification: Likely benign for Early-infantile DEE. Last evaluated: 2022-05-19. Review status: criteria provided, single submitter. Criteria: Invitae Variant Classification Sherloc (09022015). Collection method: clinical testing. Allele origin: germline.

CeGaT Center for Human Genetics Tuebingen
Classification: Likely benign. Last evaluated: 2022-05-01. Review status: criteria provided, single submitter. Criteria: CeGaT Center For Human Genetics Tuebingen Variant Classification Criteria Version 2. Collection method: clinical testing. Allele origin: germline. Affected: yes. Observed: 1 variant allele.
Comment: KCNQ2: PM2:Supporting, BP4, BP7

NM_172107.4(KCNQ2):c.2493G>A (p.Arg831=)

Gene: KCNQ2 (potassium voltage-gated channel subfamily Q member 2; minus strand). Cytogenetic location: 20q13.33.
Variant type: single nucleotide variant.
Coding change: c.2493G>A on transcript NM_172107.4 (MANE Select); coding-DNA position 2493, G replaced by A.
Protein change: p.Arg831=; no amino-acid change (arginine 831 retained).
Molecular consequence: synonymous variant.
Genome position (GRCh38, 1-based): chr20:63,406,770, C>T on the plus strand (G>A on the coding strand, the complement: KCNQ2 is on the minus strand). VCF-style: chr20-63406770-C-T. GRCh37 (hg19) VCF-style: chr20-62038123-C-T.
Other names: c.2547G>A, p.Arg849= (NM_001382235.1); c.2409G>A, p.Arg803= (NM_004518.6); c.2439G>A, p.Arg813= (NM_172106.3); c.2400G>A, p.Arg800= (NM_172108.5).
Identifiers: ClinVar variation 1695021 (VCV001695021.36), dbSNP rs2145482676, ClinGen allele CA511339261.